The following is an entry in ClinVar:

ClinVar aggregate classification (germline): Uncertain significance (1 of 4 stars; one submission).

Conditions:
Inborn genetic diseases. Identifiers: MedGen C0950123, MeSH D030342.

gnomAD v4.1: 4 of 1,612,818 alleles (0.00025%); highest among the groups gnomAD compares: East Asian, 0.0022%; no homozygotes.

Submission:

Ambry Genetics
Classification: Uncertain significance for Inborn genetic diseases. Last evaluated: 2023-11-09. Review status: criteria provided, single submitter. Criteria: Ambry Variant Classification Scheme 2023. Collection method: clinical testing. Allele origin: germline.
Comment: The p.F872S variant (also known as c.2615T>C), located in coding exon 20 of the LRRK2 gene, results from a T to C substitution at nucleotide position 2615. The phenylalanine at codon 872 is replaced by serine, an amino acid with highly dissimilar properties. This amino acid position is conserved. In addition, this alteration is predicted to be tolerated by in silico analysis. Since supporting evidence is limited at this time, the clinical significance of this alteration remains unclear.

NM_198578.4(LRRK2):c.2615T>C (p.Phe872Ser)

Gene: LRRK2 (leucine rich repeat kinase 2; plus strand). Cytogenetic location: 12q12.
Variant type: single nucleotide variant.
Coding change: c.2615T>C on transcript NM_198578.4 (MANE Select); coding-DNA position 2615, T replaced by C.
Protein change: p.Phe872Ser; replaces phenylalanine 872 with serine.
Molecular consequence: missense variant.
Genome position (GRCh38, 1-based): chr12:40,287,465, T>C. VCF-style: chr12-40287465-T-C. GRCh37 (hg19) VCF-style: chr12-40681267-T-C.
Other names: short protein forms F872S.
Identifiers: ClinVar variation 1793851 (VCV001793851.2), dbSNP rs200280257, ClinGen allele CA384408916.
Genomic context (GRCh38, chr12:40,287,465, plus strand): 5'-TGGAAGAAGGAACAGCCTCAGGCAGCGATGGAAATTTTTCTGAAGATGTGCTGTCTAAAT[T>C]TGATGAATGGACCTTTATTCCTGACTCTTCTATGGACAGTGTGTTTGCTCAAAGTGATGA-3'
Protein context (NP_940980.4, residues 862-882): GNFSEDVLSK[Phe872Ser]DEWTFIPDSS